The following is an entry in ClinVar:

ClinVar aggregate classification (germline): Uncertain significance (1 of 4 stars; one submission).

Allele frequency attached by ClinVar (database versions not stated): gnomAD 0.00003; TOPMed 0.00006; ExAC 0.00008; gnomAD exomes 0.00009; 1000 Genomes Project 30x 0.00031; 1000 Genomes Project 0.00040.
gnomAD v4.1: 38 of 1,614,214 alleles (0.0024%); highest among the groups gnomAD compares: East Asian, 0.049%; no homozygotes.

Submission:

Labcorp Genetics (formerly Invitae), Labcorp
Classification: Uncertain significance. Last evaluated: 2022-07-19. Review status: criteria provided, single submitter. Criteria: Invitae Variant Classification Sherloc (09022015). Collection method: clinical testing. Allele origin: germline.
Comment: This sequence change replaces valine, which is neutral and non-polar, with methionine, which is neutral and non-polar, at codon 1623 of the MCM3AP protein (p.Val1623Met). This variant is present in population databases (rs144496882, gnomAD 0.08%). This variant has not been reported in the literature in individuals affected with MCM3AP-related conditions. ClinVar contains an entry for this variant (Variation ID: 1468645). Algorithms developed to predict the effect of missense changes on protein structure and function are either unavailable or do not agree on the potential impact of this missense change (SIFT: "Deleterious"; PolyPhen-2: "Possibly Damaging"; Align-GVGD: "Class C0"). In summary, the available evidence is currently insufficient to determine the role of this variant in disease. Therefore, it has been classified as a Variant of Uncertain Significance.

NM_003906.5(MCM3AP):c.4867G>A (p.Val1623Met)

Genes: MCM3AP (minichromosome maintenance complex component 3 associated protein; minus strand), MCM3AP-AS1 (MCM3AP antisense RNA 1; plus strand). Cytogenetic location: 21q22.3.
Variant type: single nucleotide variant.
Coding change: c.4867G>A on transcript NM_003906.5 (MANE Select); coding-DNA position 4867, G replaced by A.
Protein change: p.Val1623Met; replaces valine 1623 with methionine.
Molecular consequence: missense variant.
Genome position (GRCh38, 1-based): chr21:46,244,978, C>T on the plus strand (G>A on the coding strand, the complement: MCM3AP is on the minus strand). VCF-style: chr21-46244978-C-T. GRCh37 (hg19) VCF-style: chr21-47664892-C-T.
Other names: short protein forms V1623M.
Identifiers: ClinVar variation 1468645 (VCV001468645.3), dbSNP rs144496882, ClinGen allele CA10075995.